The following is an entry in ClinVar:

NM_001492.6(GDF1):c.609G>A (p.Trp203Ter)

Genes: CERS1 (ceramide synthase 1; minus strand), GDF1 (growth differentiation factor 1; minus strand). Cytogenetic location: 19p13.11.
Variant type: single nucleotide variant.
Coding change: c.609G>A on transcript NM_001492.6 (MANE Select); coding-DNA position 609, G replaced by A.
Protein change: p.Trp203Ter; replaces tryptophan 203 with a stop codon.
Molecular consequence: nonsense. On other transcripts: 3 prime UTR variant (2).
Genome position (GRCh38, 1-based): chr19:18,869,107, C>T on the plus strand (G>A on the coding strand, the complement: GDF1 is on the minus strand). VCF-style: chr19-18869107-C-T. GRCh37 (hg19) VCF-style: chr19-18979916-C-T.
Other names: c.*1470G>A (NM_001387440.1); c.*878G>A (NM_021267.5); c.609G>A, p.Trp203Ter (NM_001387438.1); short protein forms W203*.
Identifiers: ClinVar variation 4722046 (VCV004722046.1).

ClinVar aggregate classification (germline): Pathogenic (1 of 4 stars; one submission).

Submission:

Labcorp Genetics (formerly Invitae), Labcorp
Classification: Pathogenic. Last evaluated: 2025-06-24. Review status: criteria provided, single submitter. Criteria: Invitae Variant Classification Sherloc (09022015). Collection method: clinical testing. Allele origin: germline.
Comment: This sequence change creates a premature translational stop signal (p.Trp203*) in the GDF1 gene. While this is not anticipated to result in nonsense mediated decay, it is expected to disrupt the last 170 amino acid(s) of the GDF1 protein. This variant is not present in population databases (gnomAD no frequency). This premature translational stop signal has been observed in individual(s) with heterotaxy syndrome (PMID: 32144877). This variant disrupts a region of the GDF1 protein in which other variant(s) (p.Val304Argfs*48) have been determined to be pathogenic (PMID: 20413652, 34486251). This suggests that this is a clinically significant region of the protein, and that variants that disrupt it are likely to be disease-causing. For these reasons, this variant has been classified as Pathogenic.

Literature cited by the submitters: PubMed 32144877; PubMed 20413652; PubMed 34486251.